The following is an entry in ClinVar:

NM_000179.3(MSH6):c.999del (p.Lys334fs)

Gene: MSH6 (mutS homolog 6; plus strand). Cytogenetic location: 2p16.3.
Variant type: Deletion.
Coding change: c.999del on transcript NM_000179.3 (MANE Select); coding-DNA position 999, one base deleted (C; older notation c.999delC).
Protein change: p.Lys334fs; shifts the reading frame from lysine 334.
Molecular consequence: frameshift variant.
Genome position (GRCh38, 1-based): chr2:47,798,982, C deleted; the last of 2 consecutive C bases (chr2:47,798,981-47,798,982); deleting either gives the same sequence. VCF-style (leftmost placement, unchanged base first): chr2-47798980-AC-A. GRCh37 (hg19) VCF-style: chr2-48026119-AC-A.
Other names: c.609del, p.Lys204fs (NM_001281492.2); c.93del, p.Lys32fs (NM_001281493.2, NM_001281494.2); c.999delC (NM_000179.2); short protein forms K334fs, K204fs, K32fs.
Identifiers: ClinVar variation 410503 (VCV000410503.51), dbSNP rs1060502932, ClinGen allele CA16610941.

ClinVar aggregate classification (germline): Pathogenic/Likely pathogenic. Review status: criteria provided, multiple submitters, no conflicts (2 of 4 stars). 4 submissions from 4 submitters: Pathogenic (3); Likely pathogenic (1). Last evaluated 2024-03-09.

Conditions:
Hereditary nonpolyposis colorectal neoplasms. Identifiers: MedGen C0009405, MeSH D003123.
Lynch syndrome 5 (LYNCH5). Also called: Colorectal cancer, hereditary nonpolyposis, type 5; Hereditary non-polyposis colorectal cancer, type 5. Identifiers: Orphanet 144, MedGen C1833477, MONDO:0013710, OMIM 614350. Disease mechanism: loss of function.
Endometrial carcinoma. Also called: Endometrial carcinoma, somatic. Identifiers: MedGen C0476089, MONDO:0002447, OMIM 608089, HP:0012114.

Submissions (4):

Baylor Genetics
Classification: Likely pathogenic for Endometrial carcinoma. Last evaluated: 2024-03-09. Review status: criteria provided, single submitter. Criteria: ACMG Guidelines, 2015. Collection method: clinical testing. Allele origin: unknown.

Myriad Genetics, Inc.
Classification: Pathogenic for Lynch syndrome 5. Last evaluated: 2023-08-11. Review status: criteria provided, single submitter. Criteria: Myriad Autosomal Dominant, Autosomal Recessive and X-Linked Classification Criteria (2023). Collection method: clinical testing. Allele origin: unknown.
Comment: This variant is considered pathogenic. This variant creates a frameshift predicted to result in premature protein truncation.

Labcorp Genetics (formerly Invitae), Labcorp
Classification: Pathogenic for Hereditary nonpolyposis colorectal neoplasms. Last evaluated: 2023-05-02. Review status: criteria provided, single submitter. Criteria: Invitae Variant Classification Sherloc (09022015). Collection method: clinical testing. Allele origin: germline.
Comment: For these reasons, this variant has been classified as Pathogenic. ClinVar contains an entry for this variant (Variation ID: 410503). This variant has not been reported in the literature in individuals affected with MSH6-related conditions. This variant is not present in population databases (gnomAD no frequency). This sequence change creates a premature translational stop signal (p.Lys334Argfs*4) in the MSH6 gene. It is expected to result in an absent or disrupted protein product. Loss-of-function variants in MSH6 are known to be pathogenic (PMID: 18269114, 24362816).

GeneDx
Classification: Pathogenic. Last evaluated: 2017-02-27. Review status: criteria provided, single submitter. Criteria: GeneDx Variant Classification (06012015). Collection method: clinical testing. Allele origin: germline. Affected: yes.
Comment: This deletion of one nucleotide in MSH6 is denoted c.999delC at the cDNA level and p.Lys334ArgfsX4 (K334RfsX4) at the protein level. The normal sequence, with the base that is deleted in brackets, is AAAC[delC]AAGA. The deletion causes a frameshift which changes a Lysine to an Arginine at codon 334, and creates a premature stop codon at position 4 of the new reading frame. Although this variant has not, to our knowledge, been reported in the literature, it is predicted to cause loss of normal protein function through either protein truncation or nonsense-mediated mRNA decay. We consider this variant to be pathogenic.

Literature cited by the submitters: PubMed 18269114 (cited by Labcorp Genetics (formerly Invitae), Labcorp); PubMed 24362816 (cited by Labcorp Genetics (formerly Invitae), Labcorp).